The following is an entry in ClinVar:

NM_198253.3(TERT):c.1971G>C (p.Arg657Ser)

Gene: TERT (telomerase reverse transcriptase; minus strand). Cytogenetic location: 5p15.33.
Variant type: single nucleotide variant.
Coding change: c.1971G>C on transcript NM_198253.3 (MANE Select); coding-DNA position 1971, G replaced by C.
Protein change: p.Arg657Ser; replaces arginine 657 with serine.
Molecular consequence: missense variant. On other transcripts: non-coding transcript variant (2).
Genome position (GRCh38, 1-based): chr5:1,279,450, C>G on the plus strand (G>C on the coding strand, the complement: TERT is on the minus strand). VCF-style: chr5-1279450-C-G. GRCh37 (hg19) VCF-style: chr5-1279565-C-G.
Other names: c.1971G>C, p.Arg657Ser (NM_001193376.3, NM_003219.1); short protein forms R657S.
Identifiers: ClinVar variation 1783634 (VCV001783634.2), dbSNP rs749973864, ClinGen allele CA359080835.
Genomic context (GRCh38, chr5:1,279,450, plus strand): 5'-GCCCAGGAGGCCGGGGCGCCGCGCCCGCTCGTAGTTGAGCACGCTGAACAGTGCCTTCAC[C>G]CTCGAGGTGAGACGCTCGGCCTGGCGGGGACAGCATGGGAGACAGTCAGGAAAGTGGATC-3'
Protein context (NP_937983.2, residues 647-667): REKRAERLTS[Arg657Ser]VKALFSVLNY

ClinVar aggregate classification (germline): Uncertain significance (1 of 4 stars; one submission).

Conditions:
Dyskeratosis congenita. Identifiers: Orphanet 1775, MedGen C0265965, MONDO:0015780.

Submission:

Ambry Genetics
Classification: Uncertain significance for Dyskeratosis congenita. Last evaluated: 2022-05-12. Review status: criteria provided, single submitter. Criteria: Ambry Variant Classification Scheme 2023. Collection method: clinical testing. Allele origin: germline.
Comment: The p.R657S variant (also known as c.1971G>C), located in coding exon 5 of the TERT gene, results from a G to C substitution at nucleotide position 1971. The arginine at codon 657 is replaced by serine, an amino acid with dissimilar properties. This amino acid position is conserved. In addition, this alteration is predicted to be tolerated by in silico analysis. Since supporting evidence is limited at this time, the clinical significance of this alteration remains unclear.